The following is an entry in ClinVar:

ClinVar aggregate classification (germline): Pathogenic (1 of 4 stars; one submission).

Conditions:
Ehlers-Danlos syndrome, kyphoscoliotic type 1 (EDSKSCL1). Also called: EHLERS-DANLOS SYNDROME, TYPE VIA; Ehlers-Danlos syndrome, hydroxylysine-deficient; EHLERS-DANLOS SYNDROME, OCULAR-SCOLIOTIC TYPE; PLOD1-Related Kyphoscoliotic Ehlers-Danlos Syndrome. Identifiers: Orphanet 1900, MedGen C0268342, MONDO:0016002, OMIM 225400. Disease mechanism: loss of function.

Submission:

3billion
Classification: Pathogenic for Ehlers-Danlos syndrome, kyphoscoliotic type 1. Last evaluated: 2025-02-21. Review status: criteria provided, single submitter. Criteria: ACMG Guidelines, 2015. Collection method: clinical testing. Allele origin: germline. Affected: yes.
Comment: The variant is observed at an extremely low frequency in the gnomAD v4.1.0 dataset (total allele frequency: <0.001%). Predicted Consequence/Location: Stop-gained (nonsense): predicted to result in a loss or disruption of normal protein function through nonsense-mediated decay (NMD) or protein truncation. Multiple pathogenic variants are reported downstream of the variant. Therefore, this variant is classified as Pathogenic according to the recommendation of ACMG/AMP guideline.

NM_000302.4(PLOD1):c.1835G>A (p.Trp612Ter)

Gene: PLOD1 (procollagen-lysine,2-oxoglutarate 5-dioxygenase 1; plus strand). Cytogenetic location: 1p36.22.
Variant type: single nucleotide variant.
Coding change: c.1835G>A on transcript NM_000302.4 (MANE Select); coding-DNA position 1835, G replaced by A.
Protein change: p.Trp612Ter; replaces tryptophan 612 with a stop codon.
Molecular consequence: nonsense.
Genome position (GRCh38, 1-based): chr1:11,970,749, G>A. VCF-style: chr1-11970749-G-A. GRCh37 (hg19) VCF-style: chr1-12030806-G-A.
Other names: c.1976G>A, p.Trp659Ter (NM_001316320.2); short protein forms W612*, W659*.
Identifiers: ClinVar variation 4293381 (VCV004293381.1).
Genomic context (GRCh38, chr1:11,970,749, plus strand): 5'-GCTACGAGAACGTGCCGACTATTGACATCCACATGAACCAGATCGGCTTTGAGCGGGAGT[G>A]GCACAAATTCCTGCTGGAGTACATTGCGCCCATGACGGAGAAGCTCTACCCCGGCTACTA-3'